The following is an entry in ClinVar:

ClinVar aggregate classification (germline): Benign (1 of 4 stars; one submission).

Conditions:
Autosomal dominant Parkinson disease 8. Also called: LRRK2-Related Parkinson Disease; Parkinson disease 8; Parkinson disease 8, susceptibility to. Identifiers: Orphanet 411602, MedGen C1846862, MONDO:0011764, OMIM 607060.

Allele frequency attached by ClinVar (database versions not stated): TOPMed 0.00009; gnomAD 0.00013; gnomAD exomes 0.00080; 1000 Genomes Project 30x 0.00187; 1000 Genomes Project 0.00200.
gnomAD v4.1: 45 of 153,060 alleles (0.029%); highest among the groups gnomAD compares: Middle Eastern, 0.67%; 1 homozygote.

Submission:

Illumina Laboratory Services, Illumina
Classification: Benign for Autosomal dominant Parkinson disease 8. Last evaluated: 2018-01-12. Review status: criteria provided, single submitter. Criteria: ICSL Variant Classification Criteria 13 December 2019. Collection method: clinical testing. Allele origin: germline.
Comment: This variant was observed in the ICSL laboratory as part of a predisposition screen in an ostensibly healthy population. It had not been previously curated by ICSL or reported in the Human Gene Mutation Database (HGMD: prior to June 1st, 2018), and was therefore a candidate for classification through an automated scoring system. Utilizing variant allele frequency, disease prevalence and penetrance estimates, and inheritance mode, an automated score was calculated to assess if this variant is too frequent to cause the disease. Based on the score and internal cut-off values, a variant classified as benign is not then subjected to further curation. The score for this variant resulted in a classification of benign for this disease.

NM_198578.4(LRRK2):c.*470G>T

Gene: LRRK2 (leucine rich repeat kinase 2; plus strand). Cytogenetic location: 12q12.
Variant type: single nucleotide variant.
Coding change: c.*470G>T on transcript NM_198578.4 (MANE Select); 470 bases downstream of the stop codon, G replaced by T.
Molecular consequence: 3 prime UTR variant.
Genome position (GRCh38, 1-based): chr12:40,368,235, G>T. VCF-style: chr12-40368235-G-T. GRCh37 (hg19) VCF-style: chr12-40762037-G-T.
Identifiers: ClinVar variation 308659 (VCV000308659.5), dbSNP rs200678400, ClinGen allele CA10637380.